The following is an entry in ClinVar:

ClinVar aggregate classification (germline): Uncertain significance. Review status: criteria provided, single submitter (1 of 4 stars). 2 submissions from 2 submitters: Uncertain significance (1). 1 of the submissions does not count toward it. Last evaluated 2023-06-13.

Conditions:
Cohen syndrome (COH1). Also called: PEPPER SYNDROME; Cutis verticis gyrata, retinitis pigmentosa, and sensorineural deafness. Identifiers: Orphanet 193, MedGen C0265223, MONDO:0008999, OMIM 216550.

Submissions (2):

Women's Health and Genetics/Laboratory Corporation of America, LabCorp
Classification: Uncertain significance. Last evaluated: 2023-06-13. Review status: criteria provided, single submitter. Criteria: LabCorp Variant Classification Summary - May 2015. Collection method: clinical testing. Allele origin: germline.
Comment: Variant summary: VPS13B c.4480_4482delCTT (p.Leu1494del) results in an in-frame deletion that is predicted to remove 1 amino acid from the encoded protein. The variant was absent in 251054 control chromosomes. p.Leu1494del has been reported in the literature in two related individuals affected with Cohen Syndrome who were homozygous for the variant, but carried another pathogenic upstream truncating variant on one allele, allowing evaluation of the variant in the compound heterozygous state only (Seifert_2008). These data indicate that the variant may be associated with disease. To our knowledge, no experimental evidence demonstrating an impact on protein function has been reported. No clinical diagnostic laboratories have submitted clinical-significance assessments for this variant to ClinVar after 2014. Based on the evidence outlined above, the variant was classified as VUS - possibly pathogenic.

Juha Muilu Group; Institute for Molecular Medicine Finland (FIMM)
Classification: Likely pathogenic for Cohen syndrome. Review status: no assertion criteria provided. Collection method: not provided. Allele origin: unknown. Not counted in ClinVar's aggregate classification.
Comment: FinDis database variant: This variant was not found or characterized by our laboratory, data were collected from public sources: see reference
ClinVar note: Converted during submission from probable-pathogenic to Likely pathogenic.

Literature cited by the submitters: PubMed 19006247 (cited by Women's Health and Genetics/Laboratory Corporation of America, LabCorp).

NM_152564.5(VPS13B):c.4402CTT[1] (p.Leu1469del)

Gene: VPS13B (vacuolar protein sorting 13 homolog B; plus strand). Cytogenetic location: 8q22.2.
Variant type: Microsatellite.
Coding change: c.4402CTT[1] on transcript NM_152564.5 (MANE Select); one copy of the 3-base unit CTT starting at c.4402; the reference has two copies in a row; one copy, 3 bases deleted.
Protein change: p.Leu1469del; deletes leucine 1469.
Molecular consequence: inframe deletion.
Genome position (GRCh38, 1-based): chr8:99,511,284-99,511,286, CTT deleted; deleting any 3 consecutive bases within chr8:99,511,279-99,511,286 gives the same sequence; the position shown is the placement nearest the transcript's 3' end. VCF-style (leftmost placement, unchanged base first): chr8-99511278-ATTC-A. GRCh37 (hg19) VCF-style: chr8-100523506-ATTC-A.
Other names: c.4480_4482delCTT (NM_017890.4); c.4477CTT[1], p.Leu1494del (NM_017890.5); short protein forms L1494del, L1469del.
Identifiers: ClinVar variation 56666 (VCV000056666.3), dbSNP rs386834088, ClinGen allele CA264080.